The following is an entry in ClinVar:

ClinVar aggregate classification (germline): Uncertain significance (1 of 4 stars; one submission).

Submission:

Labcorp Genetics (formerly Invitae), Labcorp
Classification: Uncertain significance. Last evaluated: 2024-04-18. Review status: criteria provided, single submitter. Criteria: Invitae Variant Classification Sherloc (09022015). Collection method: clinical testing. Allele origin: germline.
Comment: This sequence change replaces isoleucine, which is neutral and non-polar, with serine, which is neutral and polar, at codon 1029 of the COL11A2 protein (p.Ile1029Ser). This variant is not present in population databases (gnomAD no frequency). This variant has not been reported in the literature in individuals affected with COL11A2-related conditions. Advanced modeling of protein sequence and biophysical properties (such as structural, functional, and spatial information, amino acid conservation, physicochemical variation, residue mobility, and thermodynamic stability) performed at Invitae indicates that this missense variant is not expected to disrupt COL11A2 protein function with a negative predictive value of 95%. In summary, the available evidence is currently insufficient to determine the role of this variant in disease. Therefore, it has been classified as a Variant of Uncertain Significance.

NM_080680.3(COL11A2):c.3086T>G (p.Ile1029Ser)

Gene: COL11A2 (collagen type XI alpha 2 chain; minus strand). Cytogenetic location: 6p21.32.
Variant type: single nucleotide variant.
Coding change: c.3086T>G on transcript NM_080680.3 (MANE Select); coding-DNA position 3086, T replaced by G.
Protein change: p.Ile1029Ser; replaces isoleucine 1029 with serine.
Molecular consequence: missense variant.
Genome position (GRCh38, 1-based): chr6:33,171,777, A>C on the plus strand (T>G on the coding strand, the complement: COL11A2 is on the minus strand). VCF-style: chr6-33171777-A-C. GRCh37 (hg19) VCF-style: chr6-33139554-A-C.
Other names: c.2060T>G, p.Ile687Ser (NM_001424111.1, NM_001424110.1); c.1040T>G, p.Ile347Ser (NM_001424112.1); c.2765T>G, p.Ile922Ser (NM_080679.3); c.2828T>G, p.Ile943Ser (NM_080681.3); c.2906T>G, p.Ile969Ser (NM_001424108.1); c.2240T>G, p.Ile747Ser (NM_001424109.1); short protein forms I922S, I687S, I747S, I943S, I1029S, I969S, I347S.
Identifiers: ClinVar variation 3635247 (VCV003635247.2).